The following is an entry in ClinVar:

NM_000466.3(PEX1):c.637C>T (p.Leu213Phe)

Gene: PEX1 (peroxisomal biogenesis factor 1; minus strand). Cytogenetic location: 7q21.2.
Variant type: single nucleotide variant.
Coding change: c.637C>T on transcript NM_000466.3 (MANE Select); coding-DNA position 637, C replaced by T.
Protein change: p.Leu213Phe; replaces leucine 213 with phenylalanine.
Molecular consequence: missense variant.
Genome position (GRCh38, 1-based): chr7:92,517,878, G>A on the plus strand (C>T on the coding strand, the complement: PEX1 is on the minus strand). VCF-style: chr7-92517878-G-A. GRCh37 (hg19) VCF-style: chr7-92147192-G-A.
Other names: c.637C>T, p.Leu213Phe (NM_001282677.2); c.13C>T, p.Leu5Phe (NM_001282678.2); short protein forms L213F, L5F.
Identifiers: ClinVar variation 285000 (VCV000285000.32), dbSNP rs141798874, ClinGen allele CA4341565.
Genomic context (GRCh38, chr7:92,517,878, plus strand): 5'-ACTCGTTTTCATTAGATTCAGTGATTCCCACAGTATTTGACTGAAGTTGCTTGGTTTGAA[G>A]TTCTTTCATCATTCCTTTCTGGTCTCTTCCATAACTATGAAGTTTTTTATATTCAGCATC-3'
Protein context (NP_000457.1, residues 203-223): GRDQKGMMKE[Leu213Phe]QTKQLQSNTV

ClinVar aggregate classification (germline): Conflicting classifications of pathogenicity. Review status: criteria provided, conflicting classifications (1 of 4 stars). 11 submissions from 11 submitters: Uncertain significance (1); Likely benign (4). 6 of the submissions do not count toward it. Last evaluated 2026-01-26.

Conditions:
Zellweger spectrum disorders (ZS). Also called: Zellweger Spectrum Disorder; Zellweger Spectrum; Zellweger syndrome; Zellweger Spectrum Disorder (ZSD). Identifiers: Orphanet 912, MedGen C0043459, MONDO:0019609.
PEX1-related disorder. Also called: PEX1-related condition.
Inborn genetic diseases. Identifiers: MedGen C0950123, MeSH D030342.
Peroxisome biogenesis disorder 1A (Zellweger) (PBD1A). Also called: Zellweger leukodystrophy; Peroxisome biogenesis disorder 1a. Identifiers: MedGen C4721541, MONDO:0008953, OMIM 214100.

Allele frequency attached by ClinVar (database versions not stated): gnomAD exomes 0.00016 and 0.00057; ExAC 0.00064; 1000 Genomes Project 30x 0.00125; 1000 Genomes Project 0.00140; gnomAD 0.00171 and 0.00185; ESP Exome Variant Server 0.00192; TOPMed 0.00199.
gnomAD v4.1: 483 of 1,544,194 alleles (0.031%); highest among the groups gnomAD compares: African/African-American, 0.62%; 1 homozygote.

Submissions (11):

Labcorp Genetics (formerly Invitae), Labcorp
Classification: Likely benign for Zellweger spectrum disorders. Last evaluated: 2026-01-26. Review status: criteria provided, single submitter. Criteria: Invitae Variant Classification Sherloc (09022015). Collection method: clinical testing. Allele origin: germline.

Blueprint Genetics
Classification: Likely benign. Last evaluated: 2024-11-25. Review status: criteria provided, single submitter. Criteria: ACMG Guidelines, 2015. Collection method: clinical testing. Allele origin: germline.

Ambry Genetics
Classification: Likely benign for Inborn genetic diseases. Last evaluated: 2024-08-27. Review status: criteria provided, single submitter. Criteria: Ambry Variant Classification Scheme 2023. Collection method: clinical testing. Allele origin: germline.

Illumina Laboratory Services, Illumina
Classification: Uncertain significance for Peroxisome biogenesis disorder 1A (Zellweger). Last evaluated: 2018-01-13. Review status: criteria provided, single submitter. Criteria: ICSL Variant Classification Criteria 13 December 2019. Collection method: clinical testing. Allele origin: germline.

Eurofins Ntd Llc (ga)
Classification: Likely benign. Last evaluated: 2015-12-09. Review status: criteria provided, single submitter. Criteria: EGL Classification Definitions 2015. Collection method: clinical testing. Allele origin: germline. Observed: 1 variant allele, 1 heterozygote.

PreventionGenetics, part of Exact Sciences
Classification: Likely benign for PEX1-related condition. Last evaluated: 2019-05-13. Review status: no assertion criteria provided. Collection method: clinical testing. Allele origin: germline. Not counted in ClinVar's aggregate classification.
Comment: This variant is classified as likely benign based on ACMG/AMP sequence variant interpretation guidelines (Richards et al. 2015 PMID: 25741868, with internal and published modifications).

Natera, Inc.
Classification: Likely benign for Zellweger syndrome. Last evaluated: 2017-05-10. Review status: no assertion criteria provided. Collection method: clinical testing. Allele origin: germline. Not counted in ClinVar's aggregate classification.

Clinical Genetics DNA and cytogenetics Diagnostics Lab, Erasmus MC, Erasmus Medical Center
Classification: Likely benign. Review status: no assertion criteria provided. Collection method: clinical testing. Allele origin: germline. Affected: yes. Study: VKGL Data-share Consensus. Not counted in ClinVar's aggregate classification.

Clinical Genetics, Academic Medical Center
Classification: Benign. Review status: no assertion criteria provided. Collection method: clinical testing. Allele origin: germline. Affected: yes. Study: VKGL Data-share Consensus. Not counted in ClinVar's aggregate classification.

Department of Pathology and Laboratory Medicine, Sinai Health System
Classification: Uncertain significance. Review status: no assertion criteria provided. Collection method: clinical testing. Allele origin: unknown. Affected: yes. Study: The Canadian Open Genetics Repository (COGR). Not counted in ClinVar's aggregate classification.
Comment: The PEX1 p.Leu5Phe variant was not identified in the literature nor was it identified in Cosmic. The variant was identified in dbSNP (ID: rs141798874), ClinVar (classified as ikely benign by EGL Genetic Diagnostics), and LOVD 3.0 (classified as benign by VKGL data sharing initiative Nederland) databases. The variant was identified in control databases in 156 of 223918 chromosomes (1 homozygous) at a frequency of 0.000697 increasing the likelihood this could be a low frequency benign variant (Genome Aggregation Database Feb 27, 2017). The variant was observed in the following populations: African in 147 of 24124 chromosomes (freq: 0.006094), Other in 4 of 5512 chromosomes (freq: 0.000726), Latino in 4 of 23394 chromosomes (freq: 0.000171), South Asian in 1 of 17134 chromosomes (freq: 0.000058), while the variant was not observed in the Ashkenazi Jewish, East Asian, European (Finnish), and European (non-Finnish) populations. The p.Leu5 residue is conserved in in mammals but not in more distantly related organisms however computational analyses (PolyPhen-2, SIFT, AlignGVGD, BLOSUM, MutationTaster) do not suggest a high likelihood of impact to the protein; this information is not predictive enough to rule out pathogenicity. The variant occurs outside of the splicing consensus sequence and in silico or computational prediction software programs (SpliceSiteFinder, MaxEntScan, NNSPLICE, GeneSplicer) do not predict a difference in splicing. In summary, based on the above information the clinical significance of this variant cannot be determined with certainty at this time. This variant is classified as a variant of uncertain significance.

Laboratory of Diagnostic Genome Analysis, Leiden University Medical Center (LUMC)
Classification: Likely benign. Review status: no assertion criteria provided. Collection method: clinical testing. Allele origin: germline. Affected: yes. Study: VKGL Data-share Consensus. Not counted in ClinVar's aggregate classification.